The following is an entry in ClinVar:

ClinVar aggregate classification (germline): Uncertain significance (1 of 4 stars; one submission).

Submission:

GeneDx
Classification: Uncertain significance. Last evaluated: 2023-11-07. Review status: criteria provided, single submitter. Criteria: GeneDx Variant Classification Process June 2021. Collection method: clinical testing. Allele origin: germline. Affected: yes.
Comment: Not observed at significant frequency in large population cohorts (gnomAD); In silico analysis supports that this missense variant has a deleterious effect on protein structure/function; Has not been previously published as pathogenic or benign to our knowledge

NM_000441.2(SLC26A4):c.407T>C (p.Ile136Thr)

Gene: SLC26A4 (solute carrier family 26 member 4; plus strand). Cytogenetic location: 7q22.3.
Variant type: single nucleotide variant.
Coding change: c.407T>C on transcript NM_000441.2 (MANE Select); coding-DNA position 407, T replaced by C.
Protein change: p.Ile136Thr; replaces isoleucine 136 with threonine.
Molecular consequence: missense variant.
Genome position (GRCh38, 1-based): chr7:107,672,240, T>C. VCF-style: chr7-107672240-T-C. GRCh37 (hg19) VCF-style: chr7-107312685-T-C.
Other names: short protein forms I136T.
Identifiers: ClinVar variation 3363985 (VCV003363985.1).
Genomic context (GRCh38, chr7:107,672,240, plus strand): 5'-GTCTCTACTCTGCTTTTTTCCCTATCCTGACATACTTTATCTTTGGAACATCAAGACATA[T>C]CTCAGTTGGTAATTATAAGTATATTTTACAATTATATTTGCTCATGTTTAAAGTGTTTTG-3'
Protein context (NP_000432.1, residues 126-146): TYFIFGTSRH[Ile136Thr]SVGPFPVVSL